The following is an entry in ClinVar:

NM_004525.3(LRP2):c.4046-6T>C

Gene: LRP2 (LDL receptor related protein 2; minus strand). Cytogenetic location: 2q31.1.
Variant type: single nucleotide variant.
Coding change: c.4046-6T>C on transcript NM_004525.3 (MANE Select); 6 bases into the intron before coding-DNA position 4046, T replaced by C.
Molecular consequence: intron variant.
Genome position (GRCh38, 1-based): chr2:169,239,781, A>G on the plus strand (T>C on the coding strand, the complement: LRP2 is on the minus strand). VCF-style: chr2-169239781-A-G. GRCh37 (hg19) VCF-style: chr2-170096291-A-G.
Other names: p.?.
Identifiers: ClinVar variation 129522 (VCV000129522.22), dbSNP rs76714416, ClinGen allele CA153584.

ClinVar aggregate classification (germline): Benign. Review status: criteria provided, multiple submitters, no conflicts (2 of 4 stars). 8 submissions from 8 submitters: Benign (7). 1 of the submissions does not count toward it. Last evaluated 2026-02-04.

Conditions:
Donnai-Barrow syndrome. Also called: DBS/FOAR SYNDROME; FACIOOCULOACOUSTICORENAL SYNDROME. Identifiers: Orphanet 2143, MedGen C1857277, MONDO:0009104, OMIM 222448.

Allele frequency attached by ClinVar (database versions not stated): gnomAD exomes 0.00865 and 0.01665; ExAC 0.01931; ESP Exome Variant Server 0.04106; gnomAD 0.04151 and 0.04392; TOPMed 0.04625; 1000 Genomes Project 0.05312; 1000 Genomes Project 30x 0.05497.
gnomAD v4.1: 19,468 of 1,612,340 alleles (1.2%); highest among the groups gnomAD compares: African/African-American, 13%; 761 homozygotes.

Submissions (8):

Labcorp Genetics (formerly Invitae), Labcorp
Classification: Benign. Last evaluated: 2026-02-04. Review status: criteria provided, single submitter. Criteria: Invitae Variant Classification Sherloc (09022015). Collection method: clinical testing. Allele origin: germline.

Mayo Clinic Laboratories, Mayo Clinic
Classification: Benign. Last evaluated: 2025-03-08. Review status: criteria provided, single submitter. Criteria: ACMG Guidelines, 2015. Collection method: clinical testing. Allele origin: germline. Observed: 4 variant alleles.

Genome-Nilou Lab
Classification: Benign for Donnai-Barrow syndrome. Last evaluated: 2021-07-15. Review status: criteria provided, single submitter. Criteria: ACMG Guidelines, 2015. Collection method: clinical testing. Allele origin: germline. Affected: no.

GeneDx
Classification: Benign. Last evaluated: 2020-02-03. Review status: criteria provided, single submitter. Criteria: GeneDx Variant Classification Process June 2021. Collection method: clinical testing. Allele origin: germline. Affected: yes.

Illumina Laboratory Services, Illumina
Classification: Benign for Donnai-Barrow syndrome. Last evaluated: 2018-01-13. Review status: criteria provided, single submitter. Criteria: ICSL Variant Classification Criteria 13 December 2019. Collection method: clinical testing. Allele origin: germline.
Comment: This variant was observed in the ICSL laboratory as part of a predisposition screen in an ostensibly healthy population. It had not been previously curated by ICSL or reported in the Human Gene Mutation Database (HGMD: prior to June 1st, 2018), and was therefore a candidate for classification through an automated scoring system. Utilizing variant allele frequency, disease prevalence and penetrance estimates, and inheritance mode, an automated score was calculated to assess if this variant is too frequent to cause the disease. Based on the score and internal cut-off values, a variant classified as benign is not then subjected to further curation. The score for this variant resulted in a classification of benign for this disease.

Breakthrough Genomics
Classification: Benign. Review status: criteria provided, single submitter. Criteria: ACMG Guidelines, 2015. Collection method: not provided. Allele origin: germline. Inheritance: Autosomal recessive inheritance. Affected: yes.

PreventionGenetics, part of Exact Sciences
Classification: Benign. Review status: criteria provided, single submitter. Criteria: ACMG Guidelines, 2015. Collection method: clinical testing. Allele origin: germline.

Genetic Services Laboratory, University of Chicago
Classification: Likely benign for AllHighlyPenetrant. Review status: no assertion criteria provided. Collection method: clinical testing. Allele origin: germline. Inheritance: Autosomal recessive inheritance. Not counted in ClinVar's aggregate classification.
Comment: Likely benign based on allele frequency in 1000 Genomes Project or ESP global frequency and its presence in a patient with a rare or unrelated disease phenotype. NOT Sanger confirmed.